The following is an entry in ClinVar:

NM_000228.3(LAMB3):c.28+1G>T

Gene: LAMB3 (laminin subunit beta 3; minus strand). Cytogenetic location: 1q32.2.
Variant type: single nucleotide variant.
Coding change: c.28+1G>T on transcript NM_000228.3 (MANE Select); the canonical splice donor site of the intron after coding-DNA position 28, G replaced by T.
Molecular consequence: splice donor variant.
Genome position (GRCh38, 1-based): chr1:209,650,916, C>A on the plus strand (G>T on the coding strand, the complement: LAMB3 is on the minus strand). VCF-style: chr1-209650916-C-A. GRCh37 (hg19) VCF-style: chr1-209824261-C-A.
Other names: c.28+1G>T (NM_001127641.1, NM_001017402.2).
Identifiers: ClinVar variation 1066049 (VCV001066049.8), dbSNP rs113077137, ClinGen allele CA344566417.

ClinVar aggregate classification (germline): Likely pathogenic. Review status: criteria provided, multiple submitters, no conflicts (2 of 4 stars). 2 submissions from 2 submitters: Likely pathogenic (2). Last evaluated 2024-05-29.

Conditions:
Amelogenesis imperfecta type 1A. Also called: Amelogenesis imperfecta local hypoplastic; Amelogenesis imperfecta, hypoplastic type; Amelogenesis imperfecta, type IA; AMELOGENESIS IMPERFECTA, HYPOPLASTIC TYPE IA. Identifiers: Orphanet 88661, MedGen C4011403, MONDO:0007094, OMIM 104530.
Junctional epidermolysis bullosa gravis of Herlitz. Also called: JEB-HERLITZ TYPE; EPIDERMOLYSIS BULLOSA, JUNCTIONAL 1B, SEVERE; Epidermolysis Bullosa Letalis; EPIDERMOLYSIS BULLOSA JUNCTIONALIS, HERLITZ TYPE; EPIDERMOLYSIS BULLOSA, JUNCTIONAL, HERLITZ-PEARSON TYPE; Herlitz-type junctional epidermolysis bullosa. Identifiers: Orphanet 79404, MedGen C0079683, MONDO:0009182, OMIM 226700.
Junctional epidermolysis bullosa, non-Herlitz type. Also called: EPIDERMOLYSIS BULLOSA, JUNCTIONAL 1A, INTERMEDIATE; Adult junctional epidermolysis bullosa; EPIDERMOLYSIS BULLOSA JUNCTIONALIS, DISENTIS TYPE; EPIDERMOLYSIS BULLOSA JUNCTIONALIS, NON-HERLITZ TYPE; EPIDERMOLYSIS BULLOSA JUNCTIONALIS, PROGRESSIVE; EPIDERMOLYSIS BULLOSA JUNCTIONALIS, SEVERE NONLETHAL. Identifiers: Orphanet 251393, Orphanet 79402, Orphanet 79405, Orphanet 89840, MedGen C0268374, MONDO:0009180, OMIM 226650.

Allele frequency attached by ClinVar (database versions not stated): TOPMed below 0.00001.

Submissions (2):

Fulgent Genetics
Classification: Likely pathogenic for Amelogenesis imperfecta type 1A; Junctional epidermolysis bullosa, non-Herlitz type; Junctional epidermolysis bullosa gravis of Herlitz. Last evaluated: 2024-05-29. Review status: criteria provided, single submitter. Criteria: ACMG Guidelines, 2015. Collection method: clinical testing. Allele origin: germline.

Labcorp Genetics (formerly Invitae), Labcorp
Classification: Likely pathogenic. Last evaluated: 2020-10-13. Review status: criteria provided, single submitter. Criteria: Invitae Variant Classification Sherloc (09022015). Collection method: clinical testing. Allele origin: germline.
Comment: In summary, the currently available evidence indicates that the variant is pathogenic, but additional data are needed to prove that conclusively. Therefore, this variant has been classified as Likely Pathogenic. Donor and acceptor splice site variants typically lead to a loss of protein function (PMID: 16199547), and loss-of-function variants in LAMB3 are known to be pathogenic (PMID: 11023379, 16473856). Algorithms developed to predict the effect of sequence changes on RNA splicing suggest that this variant may disrupt the consensus splice site, but this prediction has not been confirmed by published transcriptional studies. This variant has not been reported in the literature in individuals with LAMB3-related conditions. This variant is not present in population databases (ExAC no frequency). This sequence change affects a donor splice site in intron 2 of the LAMB3 gene. It is expected to disrupt RNA splicing and likely results in an absent or disrupted protein product.

Literature cited by the submitters: PubMed 16199547 (cited by Labcorp Genetics (formerly Invitae), Labcorp); PubMed 11023379 (cited by Labcorp Genetics (formerly Invitae), Labcorp); PubMed 16473856 (cited by Labcorp Genetics (formerly Invitae), Labcorp).